The following is an entry in ClinVar:

ClinVar aggregate classification (germline): Uncertain significance (1 of 4 stars; one submission).

Conditions:
Hereditary cancer-predisposing syndrome. Also called: Neoplastic Syndromes, Hereditary; Tumor predisposition; Hereditary neoplastic syndrome; Hereditary Cancer Syndrome. Identifiers: Orphanet 140162, MedGen C0027672, MeSH D009386, MONDO:0015356.

Submission:

Ambry Genetics
Classification: Uncertain significance for Hereditary cancer-predisposing syndrome. Last evaluated: 2024-03-01. Review status: criteria provided, single submitter. Criteria: Ambry Variant Classification Scheme 2023. Collection method: clinical testing. Allele origin: germline.
Comment: The p.H1897Q variant (also known as c.5691C>G), located in coding exon 15 of the APC gene, results from a C to G substitution at nucleotide position 5691. The histidine at codon 1897 is replaced by glutamine, an amino acid with highly similar properties. This amino acid position is conserved. In addition, in silico predictors for this gene do not accurately predict pathogenicity. Based on the available evidence, the clinical significance of this alteration remains unclear.

NM_000038.6(APC):c.5691C>G (p.His1897Gln)

Gene: APC (APC regulator of Wnt signaling pathway; plus strand). Cytogenetic location: 5q22.2.
Variant type: single nucleotide variant.
Coding change: c.5691C>G on transcript NM_000038.6 (MANE Select); coding-DNA position 5691, C replaced by G.
Protein change: p.His1897Gln; replaces histidine 1897 with glutamine.
Molecular consequence: missense variant. On other transcripts: non-coding transcript variant (2).
Genome position (GRCh38, 1-based): chr5:112,841,285, C>G. VCF-style: chr5-112841285-C-G. GRCh37 (hg19) VCF-style: chr5-112176982-C-G.
Other names: c.5691C>G, p.His1897Gln (NM_001127510.3, NM_001354895.2, NM_001407450.1); c.5637C>G, p.His1879Gln (NM_001127511.3); c.5745C>G, p.His1915Gln (NM_001354896.2, NM_001407447.1, NM_001407448.1 and 1 more transcripts); c.5721C>G, p.His1907Gln (NM_001354897.2); c.5616C>G, p.His1872Gln (NM_001354898.2); c.5607C>G, p.His1869Gln (NM_001354899.2); c.5568C>G, p.His1856Gln (NM_001354900.2); c.5514C>G, p.His1838Gln (NM_001354901.2, NM_001407453.1); and 11 more; short protein forms H1513Q, H1614Q, H1737Q, H1768Q, H1771Q, H1796Q, H1806Q, H1814Q.
Identifiers: ClinVar variation 3230781 (VCV003230781.1), dbSNP rs1766011377, ClinGen allele CA16033792.